The following is an entry in ClinVar:

NM_000053.4(ATP7B):c.1820A>G (p.Lys607Arg)

Gene: ATP7B (ATPase copper transporting beta; minus strand). Cytogenetic location: 13q14.3.
Variant type: single nucleotide variant.
Coding change: c.1820A>G on transcript NM_000053.4 (MANE Select); coding-DNA position 1820, A replaced by G.
Protein change: p.Lys607Arg; replaces lysine 607 with arginine.
Molecular consequence: missense variant.
Genome position (GRCh38, 1-based): chr13:51,964,921, T>C on the plus strand (A>G on the coding strand, the complement: ATP7B is on the minus strand). VCF-style: chr13-51964921-T-C. GRCh37 (hg19) VCF-style: chr13-52539057-T-C.
Other names: c.1820A>G, p.Lys607Arg (NM_001005918.3, NM_001330578.2, NM_001330579.2); c.1487A>G, p.Lys496Arg (NM_001243182.2); short protein forms K607R, K496R.
Identifiers: ClinVar variation 1421824 (VCV001421824.7), dbSNP rs775080615, ClinGen allele CA6989219.

ClinVar aggregate classification (germline): Uncertain significance. Review status: criteria provided, multiple submitters, no conflicts (2 of 4 stars). 3 submissions from 3 submitters: Uncertain significance (3). Last evaluated 2026-02-02.

Conditions:
Wilson disease (WND). Also called: Wilson's disease. Identifiers: Orphanet 905, MedGen C0019202, MONDO:0010200, OMIM 277900. Disease mechanism: loss of function.

Allele frequency attached by ClinVar (database versions not stated): TOPMed 0.00001; ExAC 0.00002; gnomAD 0.00002; gnomAD exomes 0.00002 and 0.00003.

Submissions (3):

Labcorp Genetics (formerly Invitae), Labcorp
Classification: Uncertain significance for Wilson disease. Last evaluated: 2026-02-02. Review status: criteria provided, single submitter. Criteria: Invitae Variant Classification Sherloc (09022015). Collection method: clinical testing. Allele origin: germline.
Comment: This sequence change replaces lysine, which is basic and polar, with arginine, which is basic and polar, at codon 607 of the ATP7B protein (p.Lys607Arg). This variant is present in population databases (rs775080615, gnomAD 0.02%). This variant has not been reported in the literature in individuals affected with ATP7B-related conditions. ClinVar contains an entry for this variant (Variation ID: 1421824). Invitae Evidence Modeling of protein sequence and biophysical properties (such as structural, functional, and spatial information, amino acid conservation, physicochemical variation, residue mobility, and thermodynamic stability) indicates that this missense variant is not expected to disrupt ATP7B protein function with a negative predictive value of 80%. In summary, the available evidence is currently insufficient to determine the role of this variant in disease. Therefore, it has been classified as a Variant of Uncertain Significance.

Color Diagnostics, LLC DBA Color Health
Classification: Uncertain significance for Wilson disease. Last evaluated: 2022-11-07. Review status: criteria provided, single submitter. Criteria: ACMG Guidelines, 2015. Collection method: clinical testing. Allele origin: germline.
Comment: This missense variant replaces lysine with arginine at codon 607 of the ATP7B protein. Computational prediction suggests that this variant may not impact protein structure and function (internally defined REVEL score threshold <= 0.5, PMID: 27666373). To our knowledge, functional studies have not been reported for this variant. This variant has not been reported in individuals affected with ATP7B-related disorders in the literature. This variant has been identified in 8/249580 chromosomes in the general population by the Genome Aggregation Database (gnomAD). The available evidence is insufficient to determine the role of this variant in disease conclusively. Therefore, this variant is classified as a Variant of Uncertain Significance.

Fulgent Genetics
Classification: Uncertain significance for Wilson disease. Last evaluated: 2021-10-15. Review status: criteria provided, single submitter. Criteria: ACMG Guidelines, 2015. Collection method: clinical testing. Allele origin: unknown.